The following is an entry in ClinVar:

ClinVar aggregate classification (germline): Uncertain significance. Review status: criteria provided, multiple submitters, no conflicts (2 of 4 stars). 2 submissions from 2 submitters: Uncertain significance (2). Last evaluated 2024-10-21.

Allele frequency attached by ClinVar (database versions not stated): gnomAD 0.00001; gnomAD exomes 0.00001 and 0.00002; TOPMed 0.00001; ExAC 0.00002; ESP Exome Variant Server 0.00008.
gnomAD v4.1: 10 of 1,614,106 alleles (0.00062%); highest among the groups gnomAD compares: Non-Finnish European, 0.000085%; no homozygotes.

Submissions (2):

GeneDx
Classification: Uncertain significance. Last evaluated: 2024-10-21. Review status: criteria provided, single submitter. Criteria: GeneDx Variant Classification Process June 2021. Collection method: clinical testing. Allele origin: germline. Affected: yes.
Comment: Reported previously as a heterozygous variant in a patient with suspected LGMD; however, no further clinical or segregation information was provided (PMID: 30564623); In silico analysis indicates that this missense variant does not alter protein structure/function; This variant is associated with the following publications: (PMID: 30564623)

Eurofins Ntd Llc (ga)
Classification: Uncertain significance. Last evaluated: 2016-02-09. Review status: criteria provided, single submitter. Criteria: EGL Classification Definitions 2015. Collection method: clinical testing. Allele origin: germline. Observed: 1 variant allele, 1 heterozygote.

NM_000070.3(CAPN3):c.288G>T (p.Gln96His)

Gene: CAPN3 (calpain 3; plus strand). Cytogenetic location: 15q15.1.
Variant type: single nucleotide variant.
Coding change: c.288G>T on transcript NM_000070.3 (MANE Select); coding-DNA position 288, G replaced by T.
Protein change: p.Gln96His; replaces glutamine 96 with histidine.
Molecular consequence: missense variant.
Genome position (GRCh38, 1-based): chr15:42,360,093, G>T. VCF-style: chr15-42360093-G-T. GRCh37 (hg19) VCF-style: chr15-42652291-G-T.
Other names: c.288G>T, p.Gln96His (NM_024344.2, NM_173087.2); c.288G>T (NM_000070.2); short protein forms Q96H.
Identifiers: ClinVar variation 286173 (VCV000286173.6), dbSNP rs374708755, ClinGen allele CA7510888.